The following is an entry in ClinVar:

NM_000918.4(P4HB):c.14C>T (p.Ala5Val)

Genes: P4HB (prolyl 4-hydroxylase subunit beta; minus strand), LOC130061971 (ATAC-STARR-seq lymphoblastoid silent region 9154; plus strand). Cytogenetic location: 17q25.3.
Variant type: single nucleotide variant.
Coding change: c.14C>T on transcript NM_000918.4 (MANE Select); coding-DNA position 14, C replaced by T.
Protein change: p.Ala5Val; replaces alanine 5 with valine.
Molecular consequence: missense variant.
Genome position (GRCh38, 1-based): chr17:81,860,458, G>A on the plus strand (C>T on the coding strand, the complement: P4HB is on the minus strand). VCF-style: chr17-81860458-G-A. GRCh37 (hg19) VCF-style: chr17-79818334-G-A.
Other names: short protein forms A5V.
Identifiers: ClinVar variation 1197058 (VCV001197058.2), dbSNP rs1190397609, ClinGen allele CA401518732.
Genomic context (GRCh38, chr17:81,860,458, plus strand): 5'-TGGTCCTCCTCCTCGGGGGCGTCGGCGCGCACCAGGGCGGCCACGGCCAGGCACAGCAGA[G>A]CGCGGCGCAGCATGTCGGACACGGATCAGGCGGGGCGCTTCGGTTGGCGCCGCCGGGACA-3'
Protein context (NP_000909.2, residues 1-15): MLRR[Ala5Val]LLCLAVAALV

ClinVar aggregate classification (germline): Uncertain significance (1 of 4 stars; one submission).

Allele frequency attached by ClinVar (database versions not stated): gnomAD 0.00001; gnomAD exomes 0.00001; TOPMed 0.00001.
gnomAD v4.1: 14 of 1,345,450 alleles (0.001%); highest among the groups gnomAD compares: Non-Finnish European, 0.0013%; no homozygotes.

Submission:

GeneDx
Classification: Uncertain significance. Last evaluated: 2019-07-18. Review status: criteria provided, single submitter. Criteria: GeneDx Variant Classification Process June 2021. Collection method: clinical testing. Allele origin: germline. Affected: yes.
Comment: Not observed in large population cohorts (Lek et al., 2016); In silico analysis, which includes protein predictors and evolutionary conservation, supports that this variant does not alter protein structure/function; Has not been previously published as pathogenic or benign to our knowledge